The following is an entry in ClinVar:

NM_001378452.1(ITPR1):c.101A>G (p.Asp34Gly)

Gene: ITPR1 (inositol 1,4,5-trisphosphate receptor type 1; plus strand). Cytogenetic location: 3p26.1.
Variant type: single nucleotide variant.
Coding change: c.101A>G on transcript NM_001378452.1 (MANE Select); coding-DNA position 101, A replaced by G.
Protein change: p.Asp34Gly; replaces aspartic acid 34 with glycine.
Molecular consequence: missense variant.
Genome position (GRCh38, 1-based): chr3:4,521,032, A>G. VCF-style: chr3-4521032-A-G. GRCh37 (hg19) VCF-style: chr3-4562716-A-G.
Other names: c.101A>G, p.Asp34Gly (NM_001099952.4, NM_001168272.2, NM_002222.7); short protein forms D34G.
Identifiers: ClinVar variation 2662739 (VCV002662739.3), dbSNP rs2124927468, ClinGen allele CA351794352.

ClinVar aggregate classification (germline): Uncertain significance. Review status: criteria provided, multiple submitters, no conflicts (2 of 4 stars). 2 submissions from 2 submitters: Uncertain significance (2). Last evaluated 2025-05-20.

Conditions:
Inborn genetic diseases. Identifiers: MedGen C0950123, MeSH D030342.

Submissions (2):

GeneDx
Classification: Uncertain significance. Last evaluated: 2025-05-20. Review status: criteria provided, single submitter. Criteria: GeneDx Variant Classification Process June 2021. Collection method: clinical testing. Allele origin: germline.
Comment: Not observed at significant frequency in large population cohorts (gnomAD); In silico analysis supports that this missense variant has a deleterious effect on protein structure/function; Has not been previously published as pathogenic or benign to our knowledge

Ambry Genetics
Classification: Uncertain significance for Inborn genetic diseases. Last evaluated: 2024-11-14. Review status: criteria provided, single submitter. Criteria: Ambry Variant Classification Scheme 2023. Collection method: clinical testing. Allele origin: germline.
Comment: The c.101A>G (p.D34G) alteration is located in exon 4 (coding exon 2) of the ITPR1 gene. This alteration results from a A to G substitution at nucleotide position 101, causing the aspartic acid (D) at amino acid position 34 to be replaced by a glycine (G). This variant was not reported in population-based cohorts in the Genome Aggregation Database (gnomAD). Another alteration at the same codon, c.100G>A (p.D34N), has been detected de novo in and individual with features consistent with ITPR1-related congenital non-progressive spinocerebellar ataxia (van der Veen, 2024). This amino acid position is highly conserved in available vertebrate species. This alteration is predicted to be deleterious by in silico analysis. Based on insufficient or conflicting evidence, the clinical significance of this alteration remains unclear.

Literature cited by the submitters: PubMed 38844245 (cited by Ambry Genetics).